The following is an entry in ClinVar:

ClinVar aggregate classification (germline): Uncertain significance. Review status: criteria provided, multiple submitters, no conflicts (2 of 4 stars). 2 submissions from 2 submitters: Uncertain significance (2). Last evaluated 2025-08-14.

Conditions:
Hereditary cancer-predisposing syndrome. Also called: Hereditary neoplastic syndrome; Neoplastic Syndromes, Hereditary; Tumor predisposition; Hereditary Cancer Syndrome. Identifiers: Orphanet 140162, MedGen C0027672, MeSH D009386, MONDO:0015356.
POLD1-related polyposis and colorectal cancer syndrome (CRCS10). Also called: Colorectal cancer, susceptibility to, 10; Colorectal cancer 10; COLORECTAL CANCER, SUSCEPTIBILITY TO, ON CHROMOSOME 19q. Identifiers: Orphanet 220460, MedGen C2675481, MONDO:0012953, OMIM 612591.

gnomAD v4.1: 1 of 1,593,722 alleles (0.000063%); highest among the groups gnomAD compares: Non-Finnish European, 0.000085%; no homozygotes.

Submissions (2):

Ambry Genetics
Classification: Uncertain significance for Hereditary cancer-predisposing syndrome. Last evaluated: 2025-08-14. Review status: criteria provided, single submitter. Criteria: Ambry Variant Classification Scheme 2023. Collection method: clinical testing. Allele origin: germline.
Comment: The p.P29R variant (also known as c.86C>G), located in coding exon 1 of the POLD1 gene, results from a C to G substitution at nucleotide position 86. The proline at codon 29 is replaced by arginine, an amino acid with dissimilar properties. This amino acid position is conserved. In addition, this alteration is predicted to be tolerated by in silico analysis. Based on the available evidence, the clinical significance of this variant remains unclear.

Labcorp Genetics (formerly Invitae), Labcorp
Classification: Uncertain significance for POLD1-related polyposis and colorectal cancer syndrome. Last evaluated: 2025-02-25. Review status: criteria provided, single submitter. Criteria: Invitae Variant Classification Sherloc (09022015). Collection method: clinical testing. Allele origin: germline.
Comment: This sequence change replaces proline, which is neutral and non-polar, with arginine, which is basic and polar, at codon 29 of the POLD1 protein (p.Pro29Arg). This variant is not present in population databases (gnomAD no frequency). This variant has not been reported in the literature in individuals affected with POLD1-related conditions. An algorithm developed to predict the effect of missense changes on protein structure and function (PolyPhen-2) suggests that this variant is likely to be tolerated. In summary, the available evidence is currently insufficient to determine the role of this variant in disease. Therefore, it has been classified as a Variant of Uncertain Significance.

NM_002691.4(POLD1):c.86C>G (p.Pro29Arg)

Gene: POLD1 (DNA polymerase delta 1, catalytic subunit; plus strand). Cytogenetic location: 19q13.33.
Variant type: single nucleotide variant.
Coding change: c.86C>G on transcript NM_002691.4 (MANE Select); coding-DNA position 86, C replaced by G.
Protein change: p.Pro29Arg; replaces proline 29 with arginine.
Molecular consequence: missense variant. On other transcripts: non-coding transcript variant (1).
Genome position (GRCh38, 1-based): chr19:50,398,937, C>G. VCF-style: chr19-50398937-C-G. GRCh37 (hg19) VCF-style: chr19-50902194-C-G.
Other names: c.86C>G, p.Pro29Arg (NM_001256849.1, NM_001308632.1, NM_001438210.1 and 3 more transcripts); short protein forms P29R.
Identifiers: ClinVar variation 4141023 (VCV004141023.2).